The following is an entry in ClinVar:

ClinVar aggregate classification (germline): Uncertain significance (1 of 4 stars; one submission).

Submission:

Labcorp Genetics (formerly Invitae), Labcorp
Classification: Uncertain significance. Last evaluated: 2022-06-29. Review status: criteria provided, single submitter. Criteria: Invitae Variant Classification Sherloc (09022015). Collection method: clinical testing. Allele origin: germline.
Comment: Algorithms developed to predict the effect of missense changes on protein structure and function output the following: SIFT: "Tolerated"; PolyPhen-2: "Benign"; Align-GVGD: "Class C0". The histidine amino acid residue is found in multiple mammalian species, which suggests that this missense change does not adversely affect protein function. In summary, the available evidence is currently insufficient to determine the role of this variant in disease. Therefore, it has been classified as a Variant of Uncertain Significance. This variant has not been reported in the literature in individuals affected with CAPN1-related conditions. This variant is not present in population databases (gnomAD no frequency). This sequence change replaces glutamine, which is neutral and polar, with histidine, which is basic and polar, at codon 236 of the CAPN1 protein (p.Gln236His).

NM_005186.4(CAPN1):c.708G>T (p.Gln236His)

Gene: CAPN1 (calpain 1; plus strand). Cytogenetic location: 11q13.1.
Variant type: single nucleotide variant.
Coding change: c.708G>T on transcript NM_005186.4 (MANE Select); coding-DNA position 708, G replaced by T.
Protein change: p.Gln236His; replaces glutamine 236 with histidine.
Molecular consequence: missense variant. On other transcripts: non-coding transcript variant (1).
Genome position (GRCh38, 1-based): chr11:65,186,287, G>T. VCF-style: chr11-65186287-G-T. GRCh37 (hg19) VCF-style: chr11-64953758-G-T.
Other names: c.708G>T, p.Gln236His (NM_001198868.2, NM_001198869.2); c.546G>T, p.Gln182His (NM_001198870.1); short protein forms Q182H, Q236H.
Identifiers: ClinVar variation 2088292 (VCV002088292.4), dbSNP rs2539261503, ClinGen allele CA381244496.